The following is an entry in ClinVar:

NM_001374828.1(ARID1B):c.3729G>C (p.Lys1243Asn)

Gene: ARID1B (AT-rich interaction domain 1B; plus strand). Cytogenetic location: 6q25.3.
Variant type: single nucleotide variant.
Coding change: c.3729G>C on transcript NM_001374828.1 (MANE Select); coding-DNA position 3729, G replaced by C.
Protein change: p.Lys1243Asn; replaces lysine 1243 with asparagine.
Molecular consequence: missense variant.
Genome position (GRCh38, 1-based): chr6:157,184,245, G>C. VCF-style: chr6-157184245-G-C. GRCh37 (hg19) VCF-style: chr6-157505379-G-C.
Other names: c.3360G>C (NM_020732.3); c.1230G>C, p.Lys410Asn (NM_001363725.2); c.3609G>C, p.Lys1203Asn (NM_001371656.1, NM_001374820.1); c.3570G>C, p.Lys1190Asn (NM_017519.3); short protein forms K1190N, K1203N, K1243N, K410N.
Identifiers: ClinVar variation 3360509 (VCV003360509.1).

ClinVar aggregate classification (germline): Uncertain significance (1 of 4 stars; one submission).

Submission:

GeneDx
Classification: Uncertain significance. Last evaluated: 2023-06-27. Review status: criteria provided, single submitter. Criteria: GeneDx Variant Classification Process June 2021. Collection method: clinical testing. Allele origin: germline. Affected: yes.
Comment: Not observed at significant frequency in large population cohorts (gnomAD); In silico analysis supports that this missense variant has a deleterious effect on protein structure/function; Has not been previously published as pathogenic or benign to our knowledge